The following is an entry in ClinVar:

ClinVar aggregate classification (germline): Uncertain significance. Review status: criteria provided, multiple submitters, no conflicts (2 of 4 stars). 2 submissions from 2 submitters: Uncertain significance (2). Last evaluated 2023-07-18.

Conditions:
Hereditary cancer-predisposing syndrome. Also called: Hereditary Cancer Syndrome; Tumor predisposition; Hereditary neoplastic syndrome; Neoplastic Syndromes, Hereditary. Identifiers: Orphanet 140162, MedGen C0027672, MeSH D009386, MONDO:0015356.
Gorlin syndrome. Also called: Basal cell nevus syndrome; Nevoid Basal Cell Carcinoma Syndrome. Identifiers: Orphanet 377, MedGen C0004779, MONDO:0007187.

Submissions (2):

Ambry Genetics
Classification: Uncertain significance for Hereditary cancer-predisposing syndrome. Last evaluated: 2023-07-18. Review status: criteria provided, single submitter. Criteria: Ambry Variant Classification Scheme 2023. Collection method: clinical testing. Allele origin: germline.
Comment: The p.T696P variant (also known as c.2086A>C), located in coding exon 14 of the PTCH1 gene, results from an A to C substitution at nucleotide position 2086. The threonine at codon 696 is replaced by proline, an amino acid with highly similar properties. This amino acid position is not well conserved in available vertebrate species. In addition, this alteration is predicted to be tolerated by in silico analysis. Since supporting evidence is limited at this time, the clinical significance of this alteration remains unclear.

Labcorp Genetics (formerly Invitae), Labcorp
Classification: Uncertain significance for Gorlin syndrome. Last evaluated: 2022-05-30. Review status: criteria provided, single submitter. Criteria: Invitae Variant Classification Sherloc (09022015). Collection method: clinical testing. Allele origin: germline.
Comment: In summary, the available evidence is currently insufficient to determine the role of this variant in disease. Therefore, it has been classified as a Variant of Uncertain Significance. Advanced modeling of protein sequence and biophysical properties (such as structural, functional, and spatial information, amino acid conservation, physicochemical variation, residue mobility, and thermodynamic stability) performed at Invitae indicates that this missense variant is not expected to disrupt PTCH1 protein function. This variant has not been reported in the literature in individuals affected with PTCH1-related conditions. This variant is not present in population databases (gnomAD no frequency). This sequence change replaces threonine, which is neutral and polar, with proline, which is neutral and non-polar, at codon 696 of the PTCH1 protein (p.Thr696Pro).

NM_000264.5(PTCH1):c.2086A>C (p.Thr696Pro)

Genes: PTCH1 (patched 1; minus strand), LOC100507346 (uncharacterized LOC100507346; plus strand). Cytogenetic location: 9q22.32.
Variant type: single nucleotide variant.
Coding change: c.2086A>C on transcript NM_000264.5 (MANE Select); coding-DNA position 2086, A replaced by C.
Protein change: p.Thr696Pro; replaces threonine 696 with proline.
Molecular consequence: missense variant. On other transcripts: non-coding transcript variant (2).
Genome position (GRCh38, 1-based): chr9:95,468,915, T>G on the plus strand (A>C on the coding strand, the complement: PTCH1 is on the minus strand). VCF-style: chr9-95468915-T-G. GRCh37 (hg19) VCF-style: chr9-98231197-T-G.
Other names: c.1633A>C, p.Thr545Pro (NM_001083604.3, NM_001083605.3, NM_001083606.3 and 1 more transcripts); c.1930A>C, p.Thr644Pro (NM_001354918.2); c.1888A>C, p.Thr630Pro (NM_001083602.3); c.2083A>C, p.Thr695Pro (NM_001083603.3); short protein forms T545P, T644P, T696P, T695P, T630P.
Identifiers: ClinVar variation 2000889 (VCV002000889.6), dbSNP rs1588574496, ClinGen allele CA374115688.